The following is an entry in ClinVar:

NM_006642.5(SDCCAG8):c.62_64dup (p.Leu21_Arg22insLeu)

Gene: SDCCAG8 (SHH signaling and ciliogenesis regulator SDCCAG8; plus strand). Cytogenetic location: 1q43.
Variant type: Duplication.
Coding change: c.62_64dup on transcript NM_006642.5 (MANE Select); coding-DNA positions 62 to 64, 3 bases duplicated (TCC; older notation c.62_64dupTCC).
Protein change: p.Leu21_Arg22insLeu.
Molecular consequence: inframe insertion. On other transcripts: 5 prime UTR variant (4).
Genome position (GRCh38, 1-based): chr1:243,256,235-243,256,237, TCC duplicated; duplicating any 3 consecutive bases within chr1:243,256,234-243,256,237 gives the same sequence; the c. name uses the placement nearest the transcript's 3' end. VCF-style (leftmost placement, unchanged base first): chr1-243256233-T-TCTC. GRCh37 (hg19) VCF-style: chr1-243419535-T-TCTC.
Other names: c.-1051_-1049dup (NM_001350246.2); c.-939_-937dup (NM_001350247.2); c.62_64dup, p.Leu21_Arg22insLeu (NM_001350248.2); c.-246_-244dup (NM_001350249.2); c.-1312_-1310dup (NM_001350251.2).
Identifiers: ClinVar variation 2114010 (VCV002114010.4), dbSNP rs2547797873, ClinGen allele CA2580063474.

ClinVar aggregate classification (germline): Uncertain significance (1 of 4 stars; one submission).

Conditions:
Bardet-Biedl syndrome 16 (BBS16). Identifiers: Orphanet 110, MedGen C3889474, MONDO:0014444, OMIM 615993.
Senior-Loken syndrome 7 (SLSN7). Identifiers: Orphanet 3156, MedGen C3150877, MONDO:0013326, OMIM 613615.

Submission:

Labcorp Genetics (formerly Invitae), Labcorp
Classification: Uncertain significance for Bardet-Biedl syndrome 16; Senior-Loken syndrome 7. Last evaluated: 2022-03-18. Review status: criteria provided, single submitter. Criteria: Invitae Variant Classification Sherloc (09022015). Collection method: clinical testing. Allele origin: germline.
Comment: In summary, the available evidence is currently insufficient to determine the role of this variant in disease. Therefore, it has been classified as a Variant of Uncertain Significance. Experimental studies and prediction algorithms are not available or were not evaluated, and the functional significance of this variant is currently unknown. This variant has not been reported in the literature in individuals affected with SDCCAG8-related conditions. This variant is not present in population databases (gnomAD no frequency). This variant, c.62_64dup, results in the insertion of 1 amino acid(s) of the SDCCAG8 protein (p.Leu21dup), but otherwise preserves the integrity of the reading frame.